The following is an entry in ClinVar:

ClinVar aggregate classification (germline): Conflicting classifications of pathogenicity. Review status: criteria provided, conflicting classifications (1 of 4 stars). 13 submissions from 13 submitters: Uncertain significance (2); Benign (6); Likely benign (1). 4 of the submissions do not count toward it. Last evaluated 2026-02-03.

Conditions:
Cardiovascular phenotype. Identifiers: MedGen CN230736.
Dilated cardiomyopathy 1G (CMD1G). Identifiers: Orphanet 154, MedGen C1858763, MONDO:0011400, OMIM 604145.
Autosomal recessive limb-girdle muscular dystrophy type 2J (LGMDR10). Also called: Limb-girdle muscular dystrophy, type 2J; MUSCULAR DYSTROPHY, LIMB-GIRDLE, AUTOSOMAL RECESSIVE 10. Identifiers: Orphanet 140922, MedGen C1837342, MONDO:0012127, OMIM 608807.
Cardiomyopathy (CMYO). Also called: Cardiomyopathies. Identifiers: Orphanet 167848, MedGen C0878544, MONDO:0004994, HP:0001638. Inheritance: Various modes of inheritance.
Hypertrophic cardiomyopathy. Also called: HYPERTROPHIC MYOCARDIOPATHY. Identifiers: Orphanet 217569, MedGen C0007194, MeSH D002312, MONDO:0005045, HP:0001639.

Allele frequency attached by ClinVar (database versions not stated): ESP Exome Variant Server 0.00042; gnomAD 0.00043 and 0.00091; TOPMed 0.00052; gnomAD exomes 0.00160 and 0.00275; 1000 Genomes Project 30x 0.00250; 1000 Genomes Project 0.00300; ExAC 0.00321.
gnomAD v4.1: 2,457 of 1,610,242 alleles (0.15%); highest among the groups gnomAD compares: South Asian, 1.7%; 33 homozygotes.

Submissions (13):

Labcorp Genetics (formerly Invitae), Labcorp
Classification: Benign for Dilated cardiomyopathy 1G; Autosomal recessive limb-girdle muscular dystrophy type 2J. Last evaluated: 2026-02-03. Review status: criteria provided, single submitter. Criteria: Invitae Variant Classification Sherloc (09022015). Collection method: clinical testing. Allele origin: germline.

Molecular Diagnostic Laboratory for Inherited Cardiovascular Disease, Montreal Heart Institute
Classification: Likely benign. Last evaluated: 2025-04-09. Review status: criteria provided, single submitter. Criteria: ACMG Guidelines, 2015. Collection method: clinical testing. Allele origin: germline. Affected: no.

Athena Diagnostics
Classification: Benign. Last evaluated: 2024-02-02. Review status: criteria provided, single submitter. Criteria: Athena Diagnostics Criteria. Collection method: clinical testing. Allele origin: unknown.

Ambry Genetics
Classification: Benign for Cardiovascular phenotype. Last evaluated: 2019-09-12. Review status: criteria provided, single submitter. Criteria: Ambry Variant Classification Scheme 2023. Collection method: clinical testing. Allele origin: germline.

Center for Advanced Laboratory Medicine, UC San Diego Health, University of California San Diego
Classification: Benign for Hypertrophic cardiomyopathy. Last evaluated: 2018-06-15. Review status: criteria provided, single submitter. Criteria: ACMG Guidelines, 2015. Collection method: clinical testing. Allele origin: germline. Affected: yes. Observed: 1 variant allele.

CHEO Genetics Diagnostic Laboratory, Children's Hospital of Eastern Ontario
Classification: Benign for Cardiomyopathy. Last evaluated: 2018-02-27. Review status: criteria provided, single submitter. Criteria: ACMG Guidelines, 2015. Collection method: clinical testing. Allele origin: germline.

GeneDx
Classification: Benign. Last evaluated: 2016-09-02. Review status: criteria provided, single submitter. Criteria: GeneDx Variant Classification (06012015). Collection method: clinical testing. Allele origin: germline. Affected: yes.
Comment: This variant is considered likely benign or benign based on one or more of the following criteria: it is a conservative change, it occurs at a poorly conserved position in the protein, it is predicted to be benign by multiple in silico algorithms, and/or has population frequency not consistent with disease.

Laboratory for Molecular Medicine, Mass General Brigham Personalized Medicine
Classification: Uncertain significance. Last evaluated: 2014-03-19. Review status: criteria provided, single submitter. Criteria: LMM Criteria. Collection method: clinical testing. Allele origin: germline. Observed: 4 variant alleles.
Comment: The Asn4419His variant in TTN has been identified by our laboratory in 3 individ uals with cardiomyopathy (1 with DCM and 2 with HCM). It has also been identifie d in 5/8238 European American chromosomes by the NHLBI Exome Sequencing Project (dbSNP rs200204761). Computational predictions are limited or unavailable for this variant. Additional information is needed t o fully assess the clinical significance of this variant.

Biesecker Lab/Clinical Genomics Section, National Institutes of Health
Classification: Uncertain significance. Last evaluated: 2013-06-24. Review status: criteria provided, single submitter. Criteria: Ng et al. (Circ Cardiovasc Genet. 2013). Collection method: research. Allele origin: unknown. Observed: 1 variant allele. Study: ClinSeq.
Comment: The study set was not selected for affection status in relation to any cancer. Pathogenicity categories were based on literature curation. See Pubmed ID:23861362 for details.

Medical sequencing

Clinical Genetics DNA and cytogenetics Diagnostics Lab, Erasmus MC, Erasmus Medical Center
Classification: Benign. Review status: no assertion criteria provided. Collection method: clinical testing. Allele origin: germline. Affected: yes. Study: VKGL Data-share Consensus. Not counted in ClinVar's aggregate classification.

Clinical Genetics, Academic Medical Center
Classification: Benign. Review status: no assertion criteria provided. Collection method: clinical testing. Allele origin: germline. Affected: yes. Study: VKGL Data-share Consensus. Not counted in ClinVar's aggregate classification.

Genome Diagnostics Laboratory, University Medical Center Utrecht
Classification: Benign. Review status: no assertion criteria provided. Collection method: clinical testing. Allele origin: germline. Affected: yes. Study: VKGL Data-share Consensus. Not counted in ClinVar's aggregate classification.

Joint Genome Diagnostic Labs from Nijmegen and Maastricht, Radboudumc and MUMC+
Classification: Benign. Review status: no assertion criteria provided. Collection method: clinical testing. Allele origin: germline. Affected: yes. Study: VKGL Data-share Consensus. Not counted in ClinVar's aggregate classification.

Literature cited by the submitters: PubMed 23861362 (cited by Athena Diagnostics and Ambry Genetics); PubMed 37904629 (cited by Athena Diagnostics).

NM_001267550.2(TTN):c.13969A>C (p.Asn4657His)

Gene: TTN (titin; minus strand). Cytogenetic location: 2q31.2.
Variant type: single nucleotide variant.
Coding change: c.13969A>C on transcript NM_001267550.2 (MANE Select); coding-DNA position 13969, A replaced by C.
Protein change: p.Asn4657His; replaces asparagine 4657 with histidine.
Molecular consequence: missense variant. On other transcripts: intron variant (1).
Genome position (GRCh38, 1-based): chr2:178,739,264, T>G on the plus strand (A>C on the coding strand, the complement: TTN is on the minus strand). VCF-style: chr2-178739264-T-G. GRCh37 (hg19) VCF-style: chr2-179603991-T-G.
Other names: p.N4340H:AAT>CAT; c.13969A>C (NM_001267550.1); c.13018A>C, p.Asn4340His (NM_001256850.1); c.13255A>C, p.Asn4419His (NM_133432.3); c.12880A>C, p.Asn4294His (NM_003319.4); c.13456A>C, p.Asn4486His (NM_133437.4); c.10361-904A>C (NM_133378.4); short protein forms N4657H, N4419H, N4340H, N4486H, N4294H.
Identifiers: ClinVar variation 47843 (VCV000047843.28), dbSNP rs200204761, ClinGen allele CA142026.